The following is an entry in ClinVar:

NM_002334.4(LRP4):c.*1151C>T

Genes: LRP4 (LDL receptor related protein 4; minus strand), LRP4-AS1 (LRP4 antisense RNA 1; plus strand). Cytogenetic location: 11p11.2.
Variant type: single nucleotide variant.
Coding change: c.*1151C>T on transcript NM_002334.4 (MANE Select); 1151 bases downstream of the stop codon, C replaced by T.
Molecular consequence: 3 prime UTR variant.
Genome position (GRCh38, 1-based): chr11:46,857,832, G>A on the plus strand (C>T on the coding strand, the complement: LRP4 is on the minus strand). VCF-style: chr11-46857832-G-A. GRCh37 (hg19) VCF-style: chr11-46879383-G-A.
Identifiers: ClinVar variation 879797 (VCV000879797.4), dbSNP rs116705878, ClinGen allele CA221658565.

ClinVar aggregate classification (germline): Benign (1 of 4 stars; one submission).

Conditions:
Cenani-Lenz syndactyly syndrome. Also called: CENANI SYNDACTYLISM; SYNDACTYLY, TYPE VII. Identifiers: Orphanet 3258, MedGen C1859309, MONDO:0008931, OMIM 212780.

Allele frequency attached by ClinVar (database versions not stated): gnomAD 0.00207 and 0.00213; TOPMed 0.00229; 1000 Genomes Project 30x 0.00359; 1000 Genomes Project 0.00419.

Submission:

Illumina Laboratory Services, Illumina
Classification: Benign for Cenani-Lenz syndactyly syndrome. Last evaluated: 2018-01-12. Review status: criteria provided, single submitter. Criteria: ICSL Variant Classification Criteria 13 December 2019. Collection method: clinical testing. Allele origin: germline.
Comment: This variant was observed in the ICSL laboratory as part of a predisposition screen in an ostensibly healthy population. It had not been previously curated by ICSL or reported in the Human Gene Mutation Database (HGMD: prior to June 1st, 2018), and was therefore a candidate for classification through an automated scoring system. Utilizing variant allele frequency, disease prevalence and penetrance estimates, and inheritance mode, an automated score was calculated to assess if this variant is too frequent to cause the disease. Based on the score and internal cut-off values, a variant classified as benign is not then subjected to further curation. The score for this variant resulted in a classification of benign for this disease.